The following is an entry in ClinVar:

NM_005591.4(MRE11):c.1238A>G (p.Asn413Ser)

Gene: MRE11 (MRE11 double strand break repair nuclease; minus strand). Cytogenetic location: 11q21.
Variant type: single nucleotide variant.
Coding change: c.1238A>G on transcript NM_005591.4 (MANE Select); coding-DNA position 1238, A replaced by G.
Protein change: p.Asn413Ser; replaces asparagine 413 with serine.
Molecular consequence: missense variant.
Genome position (GRCh38, 1-based): chr11:94,461,024, T>C on the plus strand (A>G on the coding strand, the complement: MRE11 is on the minus strand). VCF-style: chr11-94461024-T-C. GRCh37 (hg19) VCF-style: chr11-94194190-T-C.
Other names: c.1238A>G, p.Asn413Ser (NM_001330347.2, NM_005590.4); short protein forms N413S.
Identifiers: ClinVar variation 142427 (VCV000142427.17), dbSNP rs587782457, ClinGen allele CA168323.

ClinVar aggregate classification (germline): Uncertain significance. Review status: criteria provided, multiple submitters, no conflicts (2 of 4 stars). 5 submissions from 5 submitters: Uncertain significance (5). Last evaluated 2025-11-24.

Conditions:
Ataxia-telangiectasia-like disorder (ATLD). Identifiers: MedGen C1858391, MONDO:0011457.
Hereditary cancer-predisposing syndrome. Also called: Neoplastic Syndromes, Hereditary; Tumor predisposition; Hereditary Cancer Syndrome; Hereditary neoplastic syndrome. Identifiers: Orphanet 140162, MedGen C0027672, MeSH D009386, MONDO:0015356.
Ataxia-telangiectasia-like disorder 1 (ATLD1). Identifiers: Orphanet 251347, MedGen C4012790, MONDO:0024557, OMIM 604391.

Allele frequency attached by ClinVar (database versions not stated): ExAC 0.00001; gnomAD exomes 0.00001; TOPMed 0.00001.
gnomAD v4.1: 20 of 1,613,008 alleles (0.0012%); highest among the groups gnomAD compares: Non-Finnish European, 0.0017%; no homozygotes.

Submissions (5):

Ambry Genetics
Classification: Uncertain significance for Hereditary cancer-predisposing syndrome. Last evaluated: 2025-11-24. Review status: criteria provided, single submitter. Criteria: Ambry Variant Classification Scheme 2023. Collection method: clinical testing. Allele origin: germline.
Comment: The p.N413S variant (also known as c.1238A>G), located in coding exon 11 of the MRE11A gene, results from an A to G substitution at nucleotide position 1238. The asparagine at codon 413 is replaced by serine, an amino acid with highly similar properties. This alteration was reported in a study of 1297 cases of early-onset breast cancer and 1121 controls (Young EL et al. J. Med. Genet. 2016 Jun;53:366-76). This amino acid position is highly conserved in available vertebrate species. In addition, this alteration is predicted to be tolerated by in silico analysis. Since supporting evidence is limited at this time, the clinical significance of this alteration remains unclear.

Quest Diagnostics Nichols Institute San Juan Capistrano
Classification: Uncertain significance. Last evaluated: 2025-02-19. Review status: criteria provided, single submitter. Criteria: Quest Diagnostics criteria. Collection method: clinical testing. Allele origin: unknown.

Labcorp Genetics (formerly Invitae), Labcorp
Classification: Uncertain significance for Ataxia-telangiectasia-like disorder. Last evaluated: 2021-09-02. Review status: criteria provided, single submitter. Criteria: Invitae Variant Classification Sherloc (09022015). Collection method: clinical testing. Allele origin: germline.
Comment: This sequence change replaces asparagine with serine at codon 413 of the MRE11 protein (p.Asn413Ser). The asparagine residue is moderately conserved and there is a small physicochemical difference between asparagine and serine. This variant is present in population databases (rs587782457, ExAC 0.002%). This variant has not been reported in the literature in individuals affected with MRE11-related conditions. ClinVar contains an entry for this variant (Variation ID: 142427). Algorithms developed to predict the effect of missense changes on protein structure and function (SIFT, PolyPhen-2, Align-GVGD) all suggest that this variant is likely to be tolerated. In summary, the available evidence is currently insufficient to determine the role of this variant in disease. Therefore, it has been classified as a Variant of Uncertain Significance.

Athena Diagnostics
Classification: Uncertain significance. Last evaluated: 2020-03-06. Review status: criteria provided, single submitter. Criteria: Athena Diagnostics Criteria. Collection method: clinical testing. Allele origin: unknown.

Illumina Laboratory Services, Illumina
Classification: Uncertain significance for Ataxia-telangiectasia-like disorder 1. Last evaluated: 2018-01-12. Review status: criteria provided, single submitter. Criteria: ICSL Variant Classification Criteria 13 December 2019. Collection method: clinical testing. Allele origin: germline.

Literature cited by the submitters: PubMed 26787654 (cited by Ambry Genetics).